The following is an entry in ClinVar:

NM_014159.7(SETD2):c.6606T>G (p.Pro2202=)

Gene: SETD2 (SET domain containing 2, histone lysine methyltransferase; minus strand). Cytogenetic location: 3p21.31.
Variant type: single nucleotide variant.
Coding change: c.6606T>G on transcript NM_014159.7 (MANE Select); coding-DNA position 6606, T replaced by G.
Protein change: p.Pro2202=; no amino-acid change (proline 2202 retained).
Molecular consequence: synonymous variant. On other transcripts: non-coding transcript variant (1).
Genome position (GRCh38, 1-based): chr3:47,057,178, A>C on the plus strand (T>G on the coding strand, the complement: SETD2 is on the minus strand). VCF-style: chr3-47057178-A-C. GRCh37 (hg19) VCF-style: chr3-47098668-A-C.
Other names: c.6474T>G, p.Pro2158= (NM_001349370.3).
Identifiers: ClinVar variation 758523 (VCV000758523.9), dbSNP rs535130915, ClinGen allele CA2362684.

ClinVar aggregate classification (germline): Likely benign. Review status: criteria provided, multiple submitters, no conflicts (2 of 4 stars). 2 submissions from 2 submitters: Likely benign (2). Last evaluated 2026-05-01.

Conditions:
Luscan-Lumish syndrome. Identifiers: Orphanet 597738, MedGen C4085873, MONDO:0014791, OMIM 616831.

Allele frequency attached by ClinVar (database versions not stated): gnomAD 0.00005 and 0.00006; TOPMed 0.00005; gnomAD exomes 0.00007; ExAC 0.00012.
gnomAD v4.1: 119 of 1,614,096 alleles (0.0074%); highest among the groups gnomAD compares: Non-Finnish European, 0.0095%; no homozygotes.

Submissions (2):

CeGaT Center for Human Genetics Tuebingen
Classification: Likely benign. Last evaluated: 2026-05-01. Review status: criteria provided, single submitter. Criteria: CeGaT Center For Human Genetics Tuebingen Variant Classification Criteria Version 2. Collection method: clinical testing. Allele origin: germline. Affected: yes. Observed: 1 variant allele.
Comment: SETD2: BP4, BP7

Labcorp Genetics (formerly Invitae), Labcorp
Classification: Likely benign for Luscan-Lumish syndrome. Last evaluated: 2020-07-14. Review status: criteria provided, single submitter. Criteria: Invitae Variant Classification Sherloc (09022015). Collection method: clinical testing. Allele origin: germline.